The following is an entry in ClinVar:

NM_004329.3(BMPR1A):c.38C>G (p.Ala13Gly)

Gene: BMPR1A (bone morphogenetic protein receptor type 1A; plus strand). Cytogenetic location: 10q23.2.
Variant type: single nucleotide variant.
Coding change: c.38C>G on transcript NM_004329.3 (MANE Select); coding-DNA position 38, C replaced by G.
Protein change: p.Ala13Gly; replaces alanine 13 with glycine.
Molecular consequence: missense variant.
Genome position (GRCh38, 1-based): chr10:86,876,056, C>G. VCF-style: chr10-86876056-C-G. GRCh37 (hg19) VCF-style: chr10-88635813-C-G.
Other names: short protein forms A13G.
Identifiers: ClinVar variation 824353 (VCV000824353.14), dbSNP rs754015069, ClinGen allele CA5585408.

ClinVar aggregate classification (germline): Uncertain significance. Review status: criteria provided, multiple submitters, no conflicts (2 of 4 stars). 5 submissions from 5 submitters: Uncertain significance (5). Last evaluated 2025-04-30.

Conditions:
Juvenile polyposis syndrome (JPS). Identifiers: Orphanet 2929, MedGen C0345893, MONDO:0017380, OMIM 174900.
Hereditary cancer-predisposing syndrome. Also called: Neoplastic Syndromes, Hereditary; Hereditary Cancer Syndrome; Hereditary neoplastic syndrome; Tumor predisposition. Identifiers: Orphanet 140162, MedGen C0027672, MeSH D009386, MONDO:0015356.
Polyposis syndrome, hereditary mixed, 2. Identifiers: Orphanet 157794, MedGen C1864730, MONDO:0012405, OMIM 610069.

Allele frequency attached by ClinVar (database versions not stated): gnomAD exomes below 0.00001; ExAC 0.00001.
gnomAD v4.1: 47 of 1,611,856 alleles (0.0029%); highest among the groups gnomAD compares: Non-Finnish European, 0.004%; no homozygotes.

Submissions (5):

Labcorp Genetics (formerly Invitae), Labcorp
Classification: Uncertain significance for Juvenile polyposis syndrome. Last evaluated: 2025-04-30. Review status: criteria provided, single submitter. Criteria: Invitae Variant Classification Sherloc (09022015). Collection method: clinical testing. Allele origin: germline.
Comment: This sequence change replaces alanine, which is neutral and non-polar, with glycine, which is neutral and non-polar, at codon 13 of the BMPR1A protein (p.Ala13Gly). This variant is present in population databases (rs754015069, gnomAD 0.0009%). This variant has not been reported in the literature in individuals affected with BMPR1A-related conditions. ClinVar contains an entry for this variant (Variation ID: 824353). Invitae Evidence Modeling of protein sequence and biophysical properties (such as structural, functional, and spatial information, amino acid conservation, physicochemical variation, residue mobility, and thermodynamic stability) indicates that this missense variant is not expected to disrupt BMPR1A protein function with a negative predictive value of 95%. In summary, the available evidence is currently insufficient to determine the role of this variant in disease. Therefore, it has been classified as a Variant of Uncertain Significance.

Color Diagnostics, LLC DBA Color Health
Classification: Uncertain significance for Hereditary cancer-predisposing syndrome. Last evaluated: 2024-06-18. Review status: criteria provided, single submitter. Criteria: ACMG Guidelines, 2015. Collection method: clinical testing. Allele origin: germline.
Comment: This missense variant replaces alanine with glycine at codon 13 of the BMPR1A protein. Computational prediction suggests that this variant may not impact protein structure and function (internally defined REVEL score threshold <= 0.5, PMID: 27666373). To our knowledge, functional studies have not been reported for this variant. This variant has not been reported in individuals affected with BMPR1A-related disorders in the literature. This variant has been identified in 1/251332 chromosomes in the general population by the Genome Aggregation Database (gnomAD). The available evidence is insufficient to determine the role of this variant in disease conclusively. Therefore, this variant is classified as a Variant of Uncertain Significance.

Ambry Genetics
Classification: Uncertain significance for Hereditary cancer-predisposing syndrome. Last evaluated: 2023-10-05. Review status: criteria provided, single submitter. Criteria: Ambry Variant Classification Scheme 2023. Collection method: clinical testing. Allele origin: germline.
Comment: The p.A13G variant (also known as c.38C>G), located in coding exon 1 of the BMPR1A gene, results from a C to G substitution at nucleotide position 38. The alanine at codon 13 is replaced by glycine, an amino acid with similar properties. This amino acid position is well conserved in available vertebrate species. In addition, this alteration is predicted to be tolerated by in silico analysis. Since supporting evidence is limited at this time, the clinical significance of this alteration remains unclear.

Department of Pathology and Laboratory Medicine, Sinai Health System
Classification: Uncertain significance for Polyposis syndrome, hereditary mixed, 2. Last evaluated: 2023-10-04. Review status: criteria provided, single submitter. Criteria: ACMG Guidelines, 2015. Collection method: clinical testing. Allele origin: germline. Affected: yes.

All of Us Research Program, National Institutes of Health
Classification: Uncertain significance for Juvenile polyposis syndrome. Last evaluated: 2023-05-16. Review status: criteria provided, single submitter. Criteria: ACMG Guidelines, 2015. Collection method: clinical testing. Allele origin: germline. Inheritance: Autosomal dominant inheritance. Observed: 1 variant allele, 1 heterozygote.
Comment: This missense variant replaces alanine with glycine at codon 13 of the BMPR1A protein. Computational prediction suggests that this variant may not impact protein structure and function (internally defined REVEL score threshold <= 0.5, PMID: 27666373). To our knowledge, functional studies have not been reported for this variant. This variant has not been reported in individuals affected with BMPR1A-related disorders in the literature. This variant has been identified in 1/251332 chromosomes in the general population by the Genome Aggregation Database (gnomAD). The available evidence is insufficient to determine the role of this variant in disease conclusively. Therefore, this variant is classified as a Variant of Uncertain Significance.

This study involves interpretation of variants in research participants for the purpose of population health screening. Participant phenotype was not available at the time of variant classification. Additional details can be found in publication PMID: 35346344, PMCID: PMC8962531